The following is an entry in ClinVar:

NM_020975.6(RET):c.2297C>T (p.Pro766Leu)

Gene: RET (ret proto-oncogene; plus strand). Cytogenetic location: 10q11.21.
Variant type: single nucleotide variant.
Coding change: c.2297C>T on transcript NM_020975.6 (MANE Select); coding-DNA position 2297, C replaced by T.
Protein change: p.Pro766Leu; replaces proline 766 with leucine.
Molecular consequence: missense variant.
Genome position (GRCh38, 1-based): chr10:43,118,385, C>T. VCF-style: chr10-43118385-C-T. GRCh37 (hg19) VCF-style: chr10-43613833-C-T.
Other names: c.2297C>T, p.Pro766Leu (NM_000323.2, NM_001406743.1, NM_001406744.1 and 4 more transcripts); c.1535C>T, p.Pro512Leu (NM_001355216.2); c.2168C>T, p.Pro723Leu (NM_001406761.1, NM_001406762.1, NM_001406764.1); c.2162C>T, p.Pro721Leu (NM_001406763.1, NM_001406765.1); c.2009C>T, p.Pro670Leu (NM_001406766.1, NM_001406767.1, NM_001406770.1); c.2033C>T, p.Pro678Leu (NM_001406768.1); c.1901C>T, p.Pro634Leu (NM_001406769.1, NM_001406772.1); c.1859C>T, p.Pro620Leu (NM_001406771.1, NM_001406773.1); and 10 more; short protein forms P512L, P766L, P283L, P620L, P331L, P424L, P524L, P634L.
Identifiers: ClinVar variation 936959 (VCV000936959.15), dbSNP rs1017108031, ClinGen allele CA206264383.

ClinVar aggregate classification (germline): Uncertain significance. Review status: criteria provided, multiple submitters, no conflicts (2 of 4 stars). 6 submissions from 6 submitters: Uncertain significance (6). Last evaluated 2026-01-13.

Conditions:
Multiple endocrine neoplasia, type 2 (MEN2). Identifiers: Orphanet 653, MedGen C4048306, MONDO:0019003. Disease mechanism: gain of function.
Hereditary cancer-predisposing syndrome. Also called: Tumor predisposition; Hereditary neoplastic syndrome; Hereditary Cancer Syndrome; Neoplastic Syndromes, Hereditary. Identifiers: Orphanet 140162, MedGen C0027672, MeSH D009386, MONDO:0015356.
Hirschsprung disease, susceptibility to, 1 (HSCR1). Also called: RET-Related Hirschsprung Disease. Identifiers: Orphanet 388, MedGen C3888239, MONDO:0007723, OMIM 142623.

Allele frequency attached by ClinVar (database versions not stated): gnomAD below 0.00001 and 0.00001; gnomAD exomes 0.00001.
gnomAD v4.1: 12 of 1,613,804 alleles (0.00074%); highest among the groups gnomAD compares: South Asian, 0.0033%; no homozygotes.

Submissions (6):

Labcorp Genetics (formerly Invitae), Labcorp
Classification: Uncertain significance for Multiple endocrine neoplasia, type 2. Last evaluated: 2026-01-13. Review status: criteria provided, single submitter. Criteria: Invitae Variant Classification Sherloc (09022015). Collection method: clinical testing. Allele origin: germline.
Comment: This sequence change replaces proline, which is neutral and non-polar, with leucine, which is neutral and non-polar, at codon 766 of the RET protein (p.Pro766Leu). This variant is not present in population databases (gnomAD no frequency). This variant has not been reported in the literature in individuals affected with RET-related conditions. ClinVar contains an entry for this variant (Variation ID: 936959). An algorithm developed to predict the effect of missense changes on protein structure and function (PolyPhen-2) suggests that this variant is likely to be disruptive. In summary, the available evidence is currently insufficient to determine the role of this variant in disease. Therefore, it has been classified as a Variant of Uncertain Significance.

Color Diagnostics, LLC DBA Color Health
Classification: Uncertain significance for Multiple endocrine neoplasia, type 2. Last evaluated: 2025-12-10. Review status: criteria provided, single submitter. Criteria: ACMG Guidelines, 2015. Collection method: clinical testing. Allele origin: germline.
Comment: This missense variant replaces proline with leucine at codon 766 of the RET protein. Computational prediction suggests that this variant may not impact protein structure and function. To our knowledge, functional studies have not been reported for this variant. This variant has not been reported in individuals affected with RET-related disorders in the literature. This variant has not been identified in the general population by the Genome Aggregation Database (gnomAD). The available evidence is insufficient to determine the role of this variant in disease conclusively. Therefore, this variant is classified as a Variant of Uncertain Significance.

GeneDx
Classification: Uncertain significance. Last evaluated: 2024-09-17. Review status: criteria provided, single submitter. Criteria: GeneDx Variant Classification Process June 2021. Collection method: clinical testing. Allele origin: germline. Affected: yes.
Comment: Not observed at significant frequency in large population cohorts (gnomAD); In silico analysis supports that this missense variant has a deleterious effect on protein structure/function; Has not been previously published as pathogenic or benign to our knowledge; This variant is associated with the following publications: (PMID: 14633923)

All of Us Research Program, National Institutes of Health
Classification: Uncertain significance for Multiple endocrine neoplasia, type 2. Last evaluated: 2023-11-30. Review status: criteria provided, single submitter. Criteria: ACMG Guidelines, 2015. Collection method: clinical testing. Allele origin: germline. Inheritance: Autosomal dominant inheritance. Observed: 2 variant alleles, 2 heterozygotes.
Comment: This study involves interpretation of variants in research participants for the purpose of population health screening. Participant phenotype was not available at the time of variant classification. Additional details can be found in publication PMID: 35346344, PMCID: PMC8962531

Ambry Genetics
Classification: Uncertain significance for Hereditary cancer-predisposing syndrome. Last evaluated: 2023-11-15. Review status: criteria provided, single submitter. Criteria: Ambry Variant Classification Scheme 2023. Collection method: clinical testing. Allele origin: germline.
Comment: The p.P766L variant (also known as c.2297C>T), located in coding exon 13 of the RET gene, results from a C to T substitution at nucleotide position 2297. The proline at codon 766 is replaced by leucine, an amino acid with similar properties. This amino acid position is poorly conserved in available vertebrate species. In addition, this alteration is predicted to be tolerated by in silico analysis. Since supporting evidence is limited at this time, the clinical significance of this alteration remains unclear.

Baylor Genetics
Classification: Uncertain significance for Hirschsprung disease, susceptibility to, 1. Last evaluated: 2023-08-03. Review status: criteria provided, single submitter. Criteria: ACMG Guidelines, 2015. Collection method: clinical testing. Allele origin: unknown.